The following is an entry in ClinVar:

NM_006363.6(SEC23B):c.1287T>C (p.Asn429=)

Gene: SEC23B (SEC23 homolog B, COPII component; plus strand). Cytogenetic location: 20p11.23.
Variant type: single nucleotide variant.
Coding change: c.1287T>C on transcript NM_006363.6 (MANE Select); coding-DNA position 1287, T replaced by C.
Protein change: p.Asn429=; no amino-acid change (asparagine 429 retained).
Molecular consequence: synonymous variant.
Genome position (GRCh38, 1-based): chr20:18,532,717, T>C. VCF-style: chr20-18532717-T-C. GRCh37 (hg19) VCF-style: chr20-18513361-T-C.
Other names: c.1287T>C, p.Asn429= (NM_001172745.3, NM_032985.6, NM_032986.5); c.1233T>C, p.Asn411= (NM_001172746.3).
Identifiers: ClinVar variation 3031758 (VCV003031758.4), dbSNP rs1186475608, ClinGen allele CA509828099.

ClinVar aggregate classification (germline): Likely benign. Review status: criteria provided, single submitter (1 of 4 stars). 2 submissions from 2 submitters: Likely benign (1). 1 of the submissions does not count toward it. Last evaluated 2024-08-14.

Conditions:
Cowden syndrome 7 (CWS7). Identifiers: Orphanet 201, MedGen C4225179, MONDO:0014802, OMIM 616858.
Congenital dyserythropoietic anemia, type II (CDAN2). Also called: DYSERYTHROPOIETIC ANEMIA, HEMPAS TYPE. Identifiers: Orphanet 98873, MedGen C1306589, MONDO:0009134, OMIM 224100.
SEC23B-related disorder. Also called: SEC23B-related condition; SEC23B-related disorders.

Allele frequency attached by ClinVar (database versions not stated): gnomAD exomes below 0.00001; TOPMed 0.00001; gnomAD 0.00002.
gnomAD v4.1: 9 of 1,613,850 alleles (0.00056%); highest among the groups gnomAD compares: African/African-American, 0.0093%; no homozygotes.

Submissions (2):

Labcorp Genetics (formerly Invitae), Labcorp
Classification: Likely benign for Congenital dyserythropoietic anemia, type II; Cowden syndrome 7. Last evaluated: 2024-08-14. Review status: criteria provided, single submitter. Criteria: Invitae Variant Classification Sherloc (09022015). Collection method: clinical testing. Allele origin: germline.

PreventionGenetics, part of Exact Sciences
Classification: Likely benign for SEC23B-related condition. Last evaluated: 2020-10-14. Review status: no assertion criteria provided. Collection method: clinical testing. Allele origin: germline. Not counted in ClinVar's aggregate classification.
Comment: This variant is classified as likely benign based on ACMG/AMP sequence variant interpretation guidelines (Richards et al. 2015 PMID: 25741868, with internal and published modifications).